The following is an entry in ClinVar:

ClinVar aggregate classification (germline): Pathogenic/Likely pathogenic. Review status: criteria provided, multiple submitters, no conflicts (2 of 4 stars). 3 submissions from 3 submitters: Pathogenic (1); Likely pathogenic (1). 1 of the submissions does not count toward it. Last evaluated 2024-03-21.

Conditions:
Biotin-responsive basal ganglia disease (BTBGD). Also called: Thiamine metabolism dysfunction syndrome 2 (biotin- or thiamine-responsive encephalopathy type 2); THIAMINE METABOLISM DYSFUNCTION SYNDROME 2 (BIOTIN- AND THIAMINE-RESPONSIVE TYPE); Thiamine metabolism dysfunction syndrome type 2; Thiamine Transporter-2 Deficiency; thiamine-responsive encephalopathy. Identifiers: Orphanet 199348, Orphanet 65284, MedGen C1843807, MONDO:0011841, OMIM 607483.

Allele frequency attached by ClinVar (database versions not stated): gnomAD 0.00001.

Submissions (3):

Labcorp Genetics (formerly Invitae), Labcorp
Classification: Pathogenic for Biotin-responsive basal ganglia disease. Last evaluated: 2024-03-21. Review status: criteria provided, single submitter. Criteria: Invitae Variant Classification Sherloc (09022015). Collection method: clinical testing. Allele origin: germline.
Comment: This sequence change creates a premature translational stop signal (p.Tyr38Ilefs*9) in the SLC19A3 gene. It is expected to result in an absent or disrupted protein product. Loss-of-function variants in SLC19A3 are known to be pathogenic (PMID: 23423671, 23482991). This variant is present in population databases (no rsID available, gnomAD 0.06%). This variant has not been reported in the literature in individuals affected with SLC19A3-related conditions. ClinVar contains an entry for this variant (Variation ID: 590823). For these reasons, this variant has been classified as Pathogenic.

Fulgent Genetics
Classification: Likely pathogenic for Biotin-responsive basal ganglia disease. Last evaluated: 2024-03-18. Review status: criteria provided, single submitter. Criteria: ACMG Guidelines, 2015. Collection method: clinical testing. Allele origin: germline.

SingHealth Duke-NUS Institute of Precision Medicine
Classification: Likely pathogenic for Biotin-responsive basal ganglia disease. Last evaluated: 2017-06-07. Review status: no assertion criteria provided. Collection method: curation. Allele origin: germline. Affected: no. Not counted in ClinVar's aggregate classification.

Literature cited by the submitters: PubMed 23423671 (cited by Labcorp Genetics (formerly Invitae), Labcorp); PubMed 23482991 (cited by Labcorp Genetics (formerly Invitae), Labcorp).

NM_025243.4(SLC19A3):c.111del (p.Tyr38fs)

Gene: SLC19A3 (solute carrier family 19 member 3; minus strand). Cytogenetic location: 2q36.3.
Variant type: Deletion.
Coding change: c.111del on transcript NM_025243.4 (MANE Select); coding-DNA position 111, one base deleted (A; older notation c.111delA).
Protein change: p.Tyr38fs; shifts the reading frame from tyrosine 38.
Molecular consequence: frameshift variant.
Genome position (GRCh38, 1-based): chr2:227,702,208, T deleted on the plus strand (A on the coding strand, the reverse complement: SLC19A3 is on the minus strand). VCF-style (leftmost placement, unchanged base first): chr2-227702207-AT-A. GRCh37 (hg19) VCF-style: chr2-228566923-AT-A.
Other names: short protein forms Y38fs.
Identifiers: ClinVar variation 590823 (VCV000590823.10), dbSNP rs1559252723, ClinGen allele CA539895034.
Genomic context (GRCh38, chr2:227,702,207, plus strand): 5'-ATATGTATGTATGTTAACTTACCTCTGCACTGGTCAGGTTTTTATCTGGTCCAGATAAAT[AT>A]GGGATAAGGAATGGTTCTGAGGGTCTCATCATGGAGAAAAAACCAAATAAGCAGAGGATC-3'